The following is an entry in ClinVar:

NM_001113491.2(SEPTIN9):c.1527C>T (p.Asn509=)

Gene: SEPTIN9 (septin 9; plus strand). Cytogenetic location: 17q25.3.
Variant type: single nucleotide variant.
Coding change: c.1527C>T on transcript NM_001113491.2 (MANE Select); coding-DNA position 1527, C replaced by T.
Protein change: p.Asn509=; no amino-acid change (asparagine 509 retained).
Molecular consequence: synonymous variant.
Genome position (GRCh38, 1-based): chr17:77,493,030, C>T. VCF-style: chr17-77493030-C-T. GRCh37 (hg19) VCF-style: chr17-75489112-C-T.
Other names: c.1527C>T (NM_001113491.1); c.1035C>T, p.Asn345= (NM_001113492.2, NM_001113494.1); c.1506C>T, p.Asn502= (NM_001113493.2); c.774C>T, p.Asn258= (NM_001113495.2, NM_001113496.2, NM_001293697.2 and 1 more transcripts); c.1470C>T, p.Asn490= (NM_001293695.2); c.855C>T, p.Asn285= (NM_001293696.2); c.1473C>T, p.Asn491= (NM_006640.5).
Identifiers: ClinVar variation 1682669 (VCV001682669.9), dbSNP rs759965090, ClinGen allele CA8793832.
Genomic context (GRCh38, chr17:77,493,030, plus strand): 5'-CGTTCCCCAGGAGATGATCCCATTTGCTGTGGTGGGCAGTGACCACGAGTACCAGGTCAA[C>T]GGCAAGAGGATCCTTGGGAGGAAGACCAAGTGGGGTACCATCGAAGGTACTCGCCGCAGG-3'
Protein context (NP_001106963.1, residues 499-519): VVGSDHEYQV[Asn509=]GKRILGRKTK

ClinVar aggregate classification (germline): Likely benign. Review status: criteria provided, single submitter (1 of 4 stars). 2 submissions from 2 submitters: Likely benign (1). 1 of the submissions does not count toward it. Last evaluated 2024-10-15.

Conditions:
SEPTIN9-related disorder. Also called: SEPTIN9-related condition.

Allele frequency attached by ClinVar (database versions not stated): gnomAD exomes 0.00002 and 0.00006; ExAC 0.00004; TOPMed below 0.00001; gnomAD 0.00001.
gnomAD v4.1: 82 of 1,569,842 alleles (0.0052%); highest among the groups gnomAD compares: East Asian, 0.0071%; no homozygotes.

Submissions (2):

Labcorp Genetics (formerly Invitae), Labcorp
Classification: Likely benign. Last evaluated: 2024-10-15. Review status: criteria provided, single submitter. Criteria: Invitae Variant Classification Sherloc (09022015). Collection method: clinical testing. Allele origin: germline.

PreventionGenetics, part of Exact Sciences
Classification: Likely benign for SEPTIN9-related condition. Last evaluated: 2019-08-19. Review status: no assertion criteria provided. Collection method: clinical testing. Allele origin: germline. Not counted in ClinVar's aggregate classification.
Comment: This variant is classified as likely benign based on ACMG/AMP sequence variant interpretation guidelines (Richards et al. 2015 PMID: 25741868, with internal and published modifications).